The following is an entry in ClinVar:

NM_002691.4(POLD1):c.2139C>A (p.Cys713Ter)

Gene: POLD1 (DNA polymerase delta 1, catalytic subunit; plus strand). Cytogenetic location: 19q13.33.
Variant type: single nucleotide variant.
Coding change: c.2139C>A on transcript NM_002691.4 (MANE Select); coding-DNA position 2139, C replaced by A.
Protein change: p.Cys713Ter; replaces cysteine 713 with a stop codon.
Molecular consequence: nonsense. On other transcripts: non-coding transcript variant (1).
Genome position (GRCh38, 1-based): chr19:50,409,651, C>A. VCF-style: chr19-50409651-C-A. GRCh37 (hg19) VCF-style: chr19-50912908-C-A.
Other names: c.2139C>A, p.Cys713Ter (NM_001256849.1); c.2217C>A, p.Cys739Ter (NM_001308632.1); short protein forms C713*, C739*.
Identifiers: ClinVar variation 3726521 (VCV003726521.2).

ClinVar aggregate classification (germline): Uncertain significance (1 of 4 stars; one submission).

Conditions:
POLD1-related polyposis and colorectal cancer syndrome (CRCS10). Also called: Colorectal cancer 10; COLORECTAL CANCER, SUSCEPTIBILITY TO, ON CHROMOSOME 19q; Colorectal cancer, susceptibility to, 10. Identifiers: Orphanet 220460, MedGen C2675481, MONDO:0012953, OMIM 612591.

Submission:

Labcorp Genetics (formerly Invitae), Labcorp
Classification: Uncertain significance for POLD1-related polyposis and colorectal cancer syndrome. Last evaluated: 2024-12-10. Review status: criteria provided, single submitter. Criteria: Invitae Variant Classification Sherloc (09022015). Collection method: clinical testing. Allele origin: germline.
Comment: This sequence change creates a premature translational stop signal (p.Cys713*) in the POLD1 gene. Missense variants that disrupt the 3'-5' exonuclease (proof-reading) activity of the POLD1 protein are associated with PPAP (polymerase proofreading–associated polyposis) (PMID: 23263490, 23447401). However, loss-of-function variants that result in an absent or severely disrupted POLD1 protein, and missense variants outside the exonuclease domain, are unlikely to be associated with PPAP. This variant is not present in population databases (gnomAD no frequency). This variant has not been reported in the literature in individuals affected with POLD1-related conditions. Algorithms developed to predict the effect of sequence changes on RNA splicing suggest that this variant may disrupt the consensus splice site. In summary, the available evidence is currently insufficient to determine the role of this variant in disease. Therefore, it has been classified as a Variant of Uncertain Significance.

Literature cited by the submitters: PubMed 23263490; PubMed 23447401.